The following is an entry in ClinVar:

NM_000188.3(HK1):c.1129A>G (p.Ile377Val)

Gene: HK1 (hexokinase 1; plus strand). Cytogenetic location: 10q22.1.
Variant type: single nucleotide variant.
Coding change: c.1129A>G on transcript NM_000188.3 (MANE Select); coding-DNA position 1129, A replaced by G.
Protein change: p.Ile377Val; replaces isoleucine 377 with valine.
Molecular consequence: missense variant.
Genome position (GRCh38, 1-based): chr10:69,379,959, A>G. VCF-style: chr10-69379959-A-G. GRCh37 (hg19) VCF-style: chr10-71139715-A-G.
Other names: c.1141A>G, p.Ile381Val (NM_001322364.2, NM_001358263.1, NM_033497.3 and 1 more transcripts); c.1234A>G, p.Ile412Val (NM_001322365.2); c.1045A>G, p.Ile349Val (NM_001322366.1); c.1033A>G, p.Ile345Val (NM_001322367.1); c.1126A>G, p.Ile376Val (NM_033496.3); c.1093A>G, p.Ile365Val (NM_033500.2); short protein forms I349V, I377V, I381V, I412V, I376V, I345V, I365V.
Identifiers: ClinVar variation 2792397 (VCV002792397.3), dbSNP rs754185312, ClinGen allele CA5532516.

ClinVar aggregate classification (germline): Uncertain significance (1 of 4 stars; one submission).

Allele frequency attached by ClinVar (database versions not stated): TOPMed below 0.00001; ExAC 0.00002.
gnomAD v4.1: 3 of 1,614,170 alleles (0.00019%); highest among the groups gnomAD compares: East Asian, 0.0067%; no homozygotes.

Submission:

Labcorp Genetics (formerly Invitae), Labcorp
Classification: Uncertain significance. Last evaluated: 2024-12-23. Review status: criteria provided, single submitter. Criteria: Invitae Variant Classification Sherloc (09022015). Collection method: clinical testing. Allele origin: germline.
Comment: This sequence change replaces isoleucine, which is neutral and non-polar, with valine, which is neutral and non-polar, at codon 377 of the HK1 protein (p.Ile377Val). This variant is present in population databases (rs754185312, gnomAD 0.02%). This variant has not been reported in the literature in individuals affected with HK1-related conditions. ClinVar contains an entry for this variant (Variation ID: 2792397). Invitae Evidence Modeling of protein sequence and biophysical properties (such as structural, functional, and spatial information, amino acid conservation, physicochemical variation, residue mobility, and thermodynamic stability) indicates that this missense variant is not expected to disrupt HK1 protein function with a negative predictive value of 80%. In summary, the available evidence is currently insufficient to determine the role of this variant in disease. Therefore, it has been classified as a Variant of Uncertain Significance.